The following is an entry in ClinVar:

ClinVar aggregate classification (germline): Pathogenic (1 of 4 stars; one submission).

Conditions:
Duchenne muscular dystrophy (DMD). Also called: MUSCULAR DYSTROPHY, PSEUDOHYPERTROPHIC PROGRESSIVE, DUCHENNE TYPE; Duchenne Muscular Dystrophy (DMD). Identifiers: Orphanet 98896, MedGen C0013264, MONDO:0010679, OMIM 310200.
Becker muscular dystrophy (BMD). Also called: Becker Muscular Dystrophy (BMD); MUSCULAR DYSTROPHY, PSEUDOHYPERTROPHIC PROGRESSIVE, BECKER TYPE. Identifiers: Orphanet 98895, MedGen C0917713, MONDO:0010311, OMIM 300376.
Dilated cardiomyopathy 3B (CMD3B). Also called: CMD3B: DMD-Related Dilated Cardiomyopathy; CARDIOMYOPATHY, DILATED, X-LINKED; DMD-Associated Dilated Cardiomyopathy. Identifiers: Orphanet 154, MedGen C3668940, MONDO:0010542, OMIM 302045.

Submission:

New York Genome Center
Classification: Pathogenic for Duchenne muscular dystrophy; Dilated cardiomyopathy 3B; Becker muscular dystrophy. Last evaluated: 2025-02-13. Review status: criteria provided, single submitter. Criteria: NYGC Assertion Criteria 2020. Collection method: clinical testing. Allele origin: inherited. Observed: 1 variant allele, 1 hemizygote.
Comment: The hemizygous deletion in DMD spans 402,856bp and includes exons 45 to 55 of this 79 exon gene. Exons 45 to 55 encode part of the rod domain of the dystrophin protein and are the most common hotspot for copy number variants of DMD, including deletions [PMID: 26140716]. This deletion is present on one allele in the gnomAD SV v4.1.0 database, suggesting it is not a common benign variant in the populations represented in that database. This deletion has been deposited in ClinVar as Pathogenic [ClinVar ID: 583834]. This deletion is in-frame and preserves the protein reading frame. Deletion of exons 45-55 have been reported in individuals with BMD and dilated cardiomyopathy with a wide range of disease severity and ages at symptom onset [PMID: 26155064, 11257468, 18261911]. Based on available evidence the hemizygous variant identified in DMD is classified as Pathogenic.

GRCh38/hg38 Xp21.1(chrX:31602919-32005775)x0

Genes: DMD (dystrophin; minus strand), LOC129391296 (MPRA-validated peak7373 silencer; plus strand). Cytogenetic location: Xp21.1.
Variant type: copy number loss.
Change: copy number 0 of chrX:31,602,919-32,005,775 (402.9 kb, GRCh38 coordinates, 1-based), cytogenetic band Xp21.1.
Identifiers: ClinVar variation 4888424 (VCV004888424.1).